The following is an entry in ClinVar:

NM_001077350.3(NPRL3):c.653G>A (p.Arg218Gln)

Genes: HBA-LCR (alpha-globin locus control region; plus strand), NPRL3 (NPR3 like, GATOR1 complex subunit; minus strand). Cytogenetic location: 16p13.3.
Variant type: single nucleotide variant.
Coding change: c.653G>A on transcript NM_001077350.3 (MANE Select); coding-DNA position 653, G replaced by A.
Protein change: p.Arg218Gln; replaces arginine 218 with glutamine.
Molecular consequence: missense variant.
Genome position (GRCh38, 1-based): chr16:100,486, C>T on the plus strand (G>A on the coding strand, the complement: NPRL3 is on the minus strand). VCF-style: chr16-100486-C-T. GRCh37 (hg19) VCF-style: chr16-150484-C-T.
Other names: c.116G>A, p.Arg39Gln (NM_001039476.3); c.419G>A, p.Arg140Gln (NM_001243247.2); c.578G>A, p.Arg193Gln (NM_001243248.2, NM_001243249.2); short protein forms R193Q, R140Q, R39Q, R218Q.
Identifiers: ClinVar variation 945767 (VCV000945767.13), dbSNP rs201341279, ClinGen allele CA7769580.

ClinVar aggregate classification (germline): Conflicting classifications of pathogenicity. Review status: criteria provided, conflicting classifications (1 of 4 stars). 5 submissions from 5 submitters: Uncertain significance (2); Likely benign (3). Last evaluated 2026-07-01.

Conditions:
Epilepsy, familial focal, with variable foci 3 (FFEVF3). Identifiers: MedGen C4310708, MONDO:0014925, OMIM 617118.
Inborn genetic diseases. Identifiers: MedGen C0950123, MeSH D030342.

Allele frequency attached by ClinVar (database versions not stated): gnomAD 0.00006 and 0.00007; TOPMed 0.00006; ExAC 0.00009; gnomAD exomes 0.00011; 1000 Genomes Project 30x 0.00016; 1000 Genomes Project 0.00020; ESP Exome Variant Server 0.00024.
gnomAD v4.1: 139 of 1,591,794 alleles (0.0087%); highest among the groups gnomAD compares: Middle Eastern, 0.084%; no homozygotes.

Submissions (5):

CeGaT Center for Human Genetics Tuebingen
Classification: Likely benign. Last evaluated: 2026-07-01. Review status: criteria provided, single submitter. Criteria: CeGaT Center For Human Genetics Tuebingen Variant Classification Criteria Version 2. Collection method: clinical testing. Allele origin: germline. Affected: yes. Observed: 2 variant alleles.
Comment: NPRL3: BP4

Labcorp Genetics (formerly Invitae), Labcorp
Classification: Uncertain significance for Epilepsy, familial focal, with variable foci 3. Last evaluated: 2026-01-28. Review status: criteria provided, single submitter. Criteria: Invitae Variant Classification Sherloc (09022015). Collection method: clinical testing. Allele origin: germline.
Comment: This sequence change replaces arginine, which is basic and polar, with glutamine, which is neutral and polar, at codon 218 of the NPRL3 protein (p.Arg218Gln). This variant is present in population databases (rs201341279, gnomAD 0.02%). This variant has not been reported in the literature in individuals affected with NPRL3-related conditions. ClinVar contains an entry for this variant (Variation ID: 945767). Invitae Evidence Modeling of protein sequence and biophysical properties (such as structural, functional, and spatial information, amino acid conservation, physicochemical variation, residue mobility, and thermodynamic stability) indicates that this missense variant is not expected to disrupt NPRL3 protein function with a negative predictive value of 80%. In summary, the available evidence is currently insufficient to determine the role of this variant in disease. Therefore, it has been classified as a Variant of Uncertain Significance.

Blueprint Genetics
Classification: Likely benign. Last evaluated: 2024-11-26. Review status: criteria provided, single submitter. Criteria: ACMG Guidelines, 2015. Collection method: clinical testing. Allele origin: germline.

Ambry Genetics
Classification: Uncertain significance for Inborn genetic diseases. Last evaluated: 2022-05-04. Review status: criteria provided, single submitter. Criteria: Ambry Variant Classification Scheme 2023. Collection method: clinical testing. Allele origin: germline.

GeneDx
Classification: Likely benign. Last evaluated: 2020-12-01. Review status: criteria provided, single submitter. Criteria: GeneDx Variant Classification Process June 2021. Collection method: clinical testing. Allele origin: germline. Affected: yes.